The following is an entry in ClinVar:

NM_015512.5(DNAH1):c.6721C>T (p.Leu2241Phe)

Gene: DNAH1 (dynein axonemal heavy chain 1; plus strand). Cytogenetic location: 3p21.1.
Variant type: single nucleotide variant.
Coding change: c.6721C>T on transcript NM_015512.5 (MANE Select); coding-DNA position 6721, C replaced by T.
Protein change: p.Leu2241Phe; replaces leucine 2241 with phenylalanine.
Molecular consequence: missense variant.
Genome position (GRCh38, 1-based): chr3:52,372,281, C>T. VCF-style: chr3-52372281-C-T. GRCh37 (hg19) VCF-style: chr3-52406297-C-T.
Other names: short protein forms L2241F.
Identifiers: ClinVar variation 1424733 (VCV001424733.6), dbSNP rs2153224787, ClinGen allele CA353165340.
Genomic context (GRCh38, chr3:52,372,281, plus strand): 5'-TGCCAGGTGCTGTGCATTGGGCCAACAGGCACGGGGAAGACGCTCACCATCTCTGACAAG[C>T]TCCTCAAGAACCTGGCACTGGATTACATCAGCCACTTCCTCACCTTCTCAGCCCGCACTT-3'
Protein context (NP_056327.4, residues 2231-2251): TGKTLTISDK[Leu2241Phe]LKNLALDYIS

ClinVar aggregate classification (germline): Uncertain significance (1 of 4 stars; one submission).

Conditions:
Spermatogenic failure 18. Identifiers: MedGen C4539783, MONDO:0054615, OMIM 617576.
Ciliary dyskinesia, primary, 37 (CILD37). Also called: CILIARY DYSKINESIA, PRIMARY, 37, WITH OR WITHOUT SITUS INVERSUS. Identifiers: MedGen C4539798, MONDO:0033204, OMIM 617577.

Submission:

Labcorp Genetics (formerly Invitae), Labcorp
Classification: Uncertain significance for Ciliary dyskinesia, primary, 37; Spermatogenic failure 18. Last evaluated: 2023-11-27. Review status: criteria provided, single submitter. Criteria: Invitae Variant Classification Sherloc (09022015). Collection method: clinical testing. Allele origin: germline.
Comment: This sequence change replaces leucine, which is neutral and non-polar, with phenylalanine, which is neutral and non-polar, at codon 2241 of the DNAH1 protein (p.Leu2241Phe). This variant is not present in population databases (gnomAD no frequency). This variant has not been reported in the literature in individuals affected with DNAH1-related conditions. ClinVar contains an entry for this variant (Variation ID: 1424733). Advanced modeling of protein sequence and biophysical properties (such as structural, functional, and spatial information, amino acid conservation, physicochemical variation, residue mobility, and thermodynamic stability) performed at Invitae indicates that this missense variant is not expected to disrupt DNAH1 protein function with a negative predictive value of 80%. In summary, the available evidence is currently insufficient to determine the role of this variant in disease. Therefore, it has been classified as a Variant of Uncertain Significance.